The following is an entry in ClinVar:

NM_000260.4(MYO7A):c.6628G>C (p.Gly2210Arg)

Gene: MYO7A (myosin VIIA; plus strand). Cytogenetic location: 11q13.5.
Variant type: single nucleotide variant.
Coding change: c.6628G>C on transcript NM_000260.4 (MANE Select); coding-DNA position 6628, G replaced by C.
Protein change: p.Gly2210Arg; replaces glycine 2210 with arginine.
Molecular consequence: missense variant.
Genome position (GRCh38, 1-based): chr11:77,214,676, G>C. VCF-style: chr11-77214676-G-C. GRCh37 (hg19) VCF-style: chr11-76925721-G-C.
Other names: c.6508G>C, p.Gly2170Arg (NM_001127180.2); c.6481G>C, p.Gly2161Arg (NM_001369365.1); short protein forms G2210R, G2170R, G2161R.
Identifiers: ClinVar variation 1416048 (VCV001416048.5), dbSNP rs371649508, ClinGen allele CA6199139.

ClinVar aggregate classification (germline): Uncertain significance (1 of 4 stars; one submission).

Allele frequency attached by ClinVar (database versions not stated): gnomAD 0.00001; gnomAD exomes 0.00001; TOPMed 0.00002; ExAC 0.00003; ESP Exome Variant Server 0.00008.
gnomAD v4.1: 16 of 1,582,450 alleles (0.001%); highest among the groups gnomAD compares: Non-Finnish European, 0.0014%; no homozygotes.

Submission:

Labcorp Genetics (formerly Invitae), Labcorp
Classification: Uncertain significance. Last evaluated: 2021-09-24. Review status: criteria provided, single submitter. Criteria: Invitae Variant Classification Sherloc (09022015). Collection method: clinical testing. Allele origin: germline.
Comment: This sequence change replaces glycine with arginine at codon 2210 of the MYO7A protein (p.Gly2210Arg). The glycine residue is weakly conserved and there is a moderate physicochemical difference between glycine and arginine. This variant is present in population databases (rs371649508, ExAC 0.006%). This variant has not been reported in the literature in individuals affected with MYO7A-related conditions. Advanced modeling of protein sequence and biophysical properties (such as structural, functional, and spatial information, amino acid conservation, physicochemical variation, residue mobility, and thermodynamic stability) performed at Invitae indicates that this missense variant is not expected to disrupt MYO7A protein function. In summary, the available evidence is currently insufficient to determine the role of this variant in disease. Therefore, it has been classified as a Variant of Uncertain Significance.